The following is an entry in ClinVar:

NM_000186.4(CFH):c.3134-5T>C

Gene: CFH (complement factor H; plus strand). Cytogenetic location: 1q31.3.
Variant type: single nucleotide variant.
Coding change: c.3134-5T>C on transcript NM_000186.4 (MANE Select); 5 bases into the intron before coding-DNA position 3134, T replaced by C.
Molecular consequence: intron variant.
Genome position (GRCh38, 1-based): chr1:196,743,447, T>C. VCF-style: chr1-196743447-T-C. GRCh37 (hg19) VCF-style: chr1-196712577-T-C.
Other names: p.?.
Identifiers: ClinVar variation 875337 (VCV000875337.17), dbSNP rs513699, ClinGen allele CA1305851.
Genomic context (GRCh38, chr1:196,743,447, plus strand): 5'-GTTATCAGTTGATTTGCTACTCAAAATGAACACTAGGTGGAACCACTTCTTTTTTTTCTA[T>C]TCAGACACCTCCTGTGTGAATCCGCCCACAGTACAAAATGCTTATATAGTGTCGAGACAG-3'

ClinVar aggregate classification (germline): Conflicting classifications of pathogenicity. Review status: criteria provided, conflicting classifications (1 of 4 stars). 14 submissions from 11 submitters: Uncertain significance (6); Benign (2); Likely benign (2). 4 of the submissions do not count toward it. Last evaluated 2026-01-22.

Conditions:
Basal laminar drusen. Also called: DRUSEN OF BRUCH MEMBRANE; DRUSEN, CUTICULAR; DRUSEN, EARLY ADULT-ONSET, GROUPED. Identifiers: Orphanet 75376, MedGen C0730295, MONDO:0007472, OMIM 126700.
Atypical hemolytic-uremic syndrome. Identifiers: Orphanet 2134, MedGen C2931788, MONDO:0016244.
CFH-Related Dense Deposit Disease / Membranoproliferative Glomerulonephritis Type II. Identifiers: MedGen CN071292.
Hemolytic uremic syndrome, atypical, susceptibility to, 1. Also called: AHUS, SUSCEPTIBILITY TO, 1. Identifiers: Orphanet 2134, Orphanet 90038, MedGen C2749604, MONDO:0009335, OMIM 235400. Disease mechanism: Other.
Age related macular degeneration 4. Identifiers: MedGen C1853147, MONDO:0012540, OMIM 610698.

Allele frequency attached by ClinVar (database versions not stated): 1000 Genomes Project 30x 0.09432.

Submissions (14):

Women's Health and Genetics/Laboratory Corporation of America, LabCorp
Classification: Likely benign. Last evaluated: 2026-01-22. Review status: criteria provided, single submitter. Criteria: LabCorp Variant Classification Summary - May 2015. Collection method: clinical testing. Allele origin: germline.
Comment: Variant summary: CFH c.3134-5T>C alters a nucleotide located at a position not widely known to affect splicing. Consensus agreement among computation tools predict no significant impact on normal splicing. However, these predictions have yet to be confirmed by functional studies. The frequency data for this variant in gnomAD is considered unreliable, as metrics indicate poor data quality at this position. To our knowledge, no occurrence of c.3134-5T>C in individuals affected with CFH-related conditions and no experimental evidence demonstrating its impact on protein function have been reported. ClinVar contains an entry for this variant (Variation ID: 875337). Based on the evidence outlined above, the variant was classified as likely benign.

Genomenon, Inc
Classification: Uncertain significance for Atypical hemolytic-uremic syndrome. Last evaluated: 2025-10-02. Review status: criteria provided, single submitter. Criteria: Genomenon Sequence Variant Interpretation Standards - Updated. Collection method: curation. Allele origin: germline. Affected: yes.
Comment: CFH c.3134-5T>C is a splice variant located in the acceptor splice region of intron 19. This variant has been observed in at least one proband affected with atypical hemolytic-uremic syndrome (PMID:37744338;26559391). It is absent or not present at a significant frequency in gnomAD. In silico models agree that this variant is not damaging. In conclusion, we classify CFH c.3134-5T>C as a variant of uncertain significance.

Blueprint Genetics
Classification: Likely benign. Last evaluated: 2024-11-26. Review status: criteria provided, single submitter. Criteria: ACMG Guidelines, 2015. Collection method: clinical testing. Allele origin: germline.

Mayo Clinic Laboratories, Mayo Clinic
Classification: Benign. Last evaluated: 2023-07-07. Review status: criteria provided, single submitter. Criteria: ACMG Guidelines, 2015. Collection method: clinical testing. Allele origin: germline. Observed: 1,003 variant alleles.
Comment: BA1, BS3, BP4, BP7

Genome Diagnostics Laboratory, The Hospital for Sick Children
Classification: Benign for Atypical hemolytic-uremic syndrome. Last evaluated: 2020-02-01. Review status: criteria provided, single submitter. Criteria: ACMG Guidelines, 2015. Collection method: clinical testing. Allele origin: germline.

Illumina Laboratory Services, Illumina
Classification: Uncertain significance for Basal laminar drusen. Last evaluated: 2017-04-28. Review status: criteria provided, single submitter. Criteria: ICSL Variant Classification Criteria 13 December 2019. Collection method: clinical testing. Allele origin: germline.
Comment: This variant was observed as part of a predisposition screen in an ostensibly healthy population. A literature search was performed for the gene, cDNA change, and amino acid change (where applicable). Publications were found based on this search. However, the evidence from the literature, in combination with allele frequency data from public databases where available, was not sufficient to rule this variant in or out of causing disease. Therefore, this variant is classified as a variant of unknown significance.

Illumina Laboratory Services, Illumina
Classification: Uncertain significance for Age related macular degeneration 4. Last evaluated: 2017-04-28. Review status: criteria provided, single submitter. Criteria: ICSL Variant Classification Criteria 13 December 2019. Collection method: clinical testing. Allele origin: germline.
Comment: the same text as in the submission from Illumina Laboratory Services, Illumina above.

Illumina Laboratory Services, Illumina
Classification: Uncertain significance for Membranoproliferative glomerulonephritis with complement factor h deficiency. Last evaluated: 2017-04-28. Review status: criteria provided, single submitter. Criteria: ICSL Variant Classification Criteria 13 December 2019. Collection method: clinical testing. Allele origin: germline.
Comment: the same text as in the submission from Illumina Laboratory Services, Illumina above.

Illumina Laboratory Services, Illumina
Classification: Uncertain significance for Hemolytic uremic syndrome, atypical, susceptibility to, 1. Last evaluated: 2017-04-28. Review status: criteria provided, single submitter. Criteria: ICSL Variant Classification Criteria 13 December 2019. Collection method: clinical testing. Allele origin: germline.

Breakthrough Genomics
Classification: Uncertain significance. Review status: criteria provided, single submitter. Criteria: ACMG Guidelines, 2015. Collection method: not provided. Allele origin: germline. Inheritance: Autosomal recessive inheritance. Affected: yes.

Clinical Genetics DNA and cytogenetics Diagnostics Lab, Erasmus MC, Erasmus Medical Center
Classification: Benign. Review status: no assertion criteria provided. Collection method: clinical testing. Allele origin: germline. Affected: yes. Study: VKGL Data-share Consensus. Not counted in ClinVar's aggregate classification.

Diagnostic Laboratory, Department of Genetics, University Medical Center Groningen
Classification: Benign. Review status: no assertion criteria provided. Collection method: clinical testing. Allele origin: germline. Affected: yes. Study: VKGL Data-share Consensus. Not counted in ClinVar's aggregate classification.

Genome Diagnostics Laboratory, University Medical Center Utrecht
Classification: Benign. Review status: no assertion criteria provided. Collection method: clinical testing. Allele origin: germline. Affected: yes. Study: VKGL Data-share Consensus. Not counted in ClinVar's aggregate classification.

Laboratory of Diagnostic Genome Analysis, Leiden University Medical Center (LUMC)
Classification: Likely benign. Review status: no assertion criteria provided. Collection method: clinical testing. Allele origin: germline. Affected: yes. Study: VKGL Data-share Consensus. Not counted in ClinVar's aggregate classification.

Literature cited by the submitters: PubMed 37744338 (cited by Genomenon, Inc); PubMed 26559391 (cited by 3 submitters).